The following is an entry in ClinVar:

ClinVar aggregate classification (germline): Conflicting classifications of pathogenicity. Review status: criteria provided, conflicting classifications (1 of 4 stars). 4 submissions from 4 submitters: Uncertain significance (1); Likely benign (3). Last evaluated 2025-04-07.

Conditions:
TPI1-related disorder. Also called: TPI1-related condition.
Triosephosphate isomerase deficiency (TPID). Also called: Triose phosphate isomerase deficiency. Identifiers: Orphanet 868, MedGen C1860808, MONDO:0014221, OMIM 615512.

Allele frequency attached by ClinVar (database versions not stated): gnomAD exomes 0.00133 and 0.00141; TOPMed 0.00214; ExAC 0.00284; gnomAD 0.00200 and 0.00189; 1000 Genomes Project 30x 0.00047; 1000 Genomes Project 0.00060.
gnomAD v4.1: 2,153 of 1,544,326 alleles (0.14%); highest among the groups gnomAD compares: Middle Eastern, 0.48%; 4 homozygotes.

Submissions (4):

PreventionGenetics, part of Exact Sciences
Classification: Likely benign for TPI1-related condition. Last evaluated: 2025-04-07. Review status: criteria provided, single submitter. Criteria: ACMG Guidelines, 2015. Collection method: clinical testing. Allele origin: germline.
Comment: This variant is classified as likely benign based on ACMG/AMP sequence variant interpretation guidelines (Richards et al. 2015 PMID: 25741868, with internal and published modifications).

ARUP Laboratories, Molecular Genetics and Genomics, ARUP Laboratories
Classification: Likely benign for Triosephosphate isomerase deficiency. Last evaluated: 2025-03-07. Review status: criteria provided, single submitter. Criteria: ARUP Molecular Germline Variant Investigation Process 2024. Collection method: clinical testing. Allele origin: germline.

CeGaT Center for Human Genetics Tuebingen
Classification: Likely benign. Last evaluated: 2025-01-01. Review status: criteria provided, single submitter. Criteria: CeGaT Center For Human Genetics Tuebingen Variant Classification Criteria Version 2. Collection method: clinical testing. Allele origin: germline. Affected: yes. Observed: 2 variant alleles.
Comment: TPI1: BP4, BS2

Breakthrough Genomics
Classification: Uncertain significance. Review status: criteria provided, single submitter. Criteria: ACMG Guidelines, 2015. Collection method: not provided. Allele origin: germline. Inheritance: Autosomal recessive inheritance. Affected: yes.

NC_000012.12:g.6867486C>T

Gene: TPI1 (triosephosphate isomerase 1; plus strand). Cytogenetic location: 12p13.31.
Variant type: single nucleotide variant.
Molecular consequence: missense variant (on NM_001159287.1).
Genome position: GRCh38 VCF-style: chr12-6867486-C-T. GRCh37 (hg19) VCF-style: chr12-6976650-C-T.
Other names: c.31C>T, p.His11Tyr (NM_001159287.1); short protein forms H11Y.
Identifiers: ClinVar variation 994232 (VCV000994232.35), dbSNP rs781949460, ClinGen allele CA6418743.